The following is an entry in ClinVar:

ClinVar aggregate classification (germline): Uncertain significance. Review status: criteria provided, multiple submitters, no conflicts (2 of 4 stars). 2 submissions from 2 submitters: Uncertain significance (2). Last evaluated 2023-07-27.

Conditions:
Hereditary cancer-predisposing syndrome. Also called: Hereditary neoplastic syndrome; Tumor predisposition; Neoplastic Syndromes, Hereditary; Hereditary Cancer Syndrome. Identifiers: Orphanet 140162, MedGen C0027672, MeSH D009386, MONDO:0015356.
Birt-Hogg-Dube syndrome. Also called: Birt Hogg Dubé syndrome. Identifiers: Orphanet 122, MedGen C0346010, MONDO:0800444.

Allele frequency attached by ClinVar (database versions not stated): gnomAD exomes below 0.00001.
gnomAD v4.1: 1 of 1,613,864 alleles (0.000062%); highest among the groups gnomAD compares: East Asian, 0.0022%; no homozygotes.

Submissions (2):

Ambry Genetics
Classification: Uncertain significance for Hereditary cancer-predisposing syndrome. Last evaluated: 2023-07-27. Review status: criteria provided, single submitter. Criteria: Ambry Variant Classification Scheme 2023. Collection method: clinical testing. Allele origin: germline.
Comment: The p.S171G variant (also known as c.511A>G), located in coding exon 3 of the FLCN gene, results from an A to G substitution at nucleotide position 511. The serine at codon 171 is replaced by glycine, an amino acid with similar properties. This amino acid position is conserved. In addition, this alteration is predicted to be deleterious by in silico analysis. Since supporting evidence is limited at this time, the clinical significance of this alteration remains unclear.

Labcorp Genetics (formerly Invitae), Labcorp
Classification: Uncertain significance for Birt-Hogg-Dube syndrome. Last evaluated: 2022-09-28. Review status: criteria provided, single submitter. Criteria: Invitae Variant Classification Sherloc (09022015). Collection method: clinical testing. Allele origin: germline.
Comment: This sequence change replaces serine, which is neutral and polar, with glycine, which is neutral and non-polar, at codon 171 of the FLCN protein (p.Ser171Gly). This variant is not present in population databases (gnomAD no frequency). This variant has not been reported in the literature in individuals affected with FLCN-related conditions. Advanced modeling of protein sequence and biophysical properties (such as structural, functional, and spatial information, amino acid conservation, physicochemical variation, residue mobility, and thermodynamic stability) performed at Invitae indicates that this missense variant is expected to disrupt FLCN protein function. In summary, the available evidence is currently insufficient to determine the role of this variant in disease. Therefore, it has been classified as a Variant of Uncertain Significance.

NM_144997.7(FLCN):c.511A>G (p.Ser171Gly)

Gene: FLCN (folliculin; minus strand). Cytogenetic location: 17p11.2.
Variant type: single nucleotide variant.
Coding change: c.511A>G on transcript NM_144997.7 (MANE Select); coding-DNA position 511, A replaced by G.
Protein change: p.Ser171Gly; replaces serine 171 with glycine.
Molecular consequence: missense variant.
Genome position (GRCh38, 1-based): chr17:17,224,029, T>C on the plus strand (A>G on the coding strand, the complement: FLCN is on the minus strand). VCF-style: chr17-17224029-T-C. GRCh37 (hg19) VCF-style: chr17-17127343-T-C.
Other names: c.565A>G, p.Ser189Gly (NM_001353229.2); c.511A>G, p.Ser171Gly (NM_001353230.2, NM_001353231.2, NM_144606.7); short protein forms S171G, S189G.
Identifiers: ClinVar variation 1720554 (VCV001720554.8), dbSNP rs2144977278, ClinGen allele CA398534395.